The following is an entry in ClinVar:

ClinVar aggregate classification (germline): Pathogenic. Review status: criteria provided, single submitter (1 of 4 stars). 2 submissions from 2 submitters: Pathogenic (1). 1 of the submissions does not count toward it. Last evaluated 2023-08-15.

Conditions:
Lymphatic malformation 6 (LMPHM6). Also called: PIEZO1-related generalized lymphatic dysplasia with non-immune hydrops fetalis; Lymphedema, hereditary, III; GENERALIZED LYMPHATIC DYSPLASIA OF FOTIOU. Identifiers: Orphanet 568062, MedGen C4225184, MONDO:0014797, OMIM 616843.

Allele frequency attached by ClinVar (database versions not stated): gnomAD exomes 0.00001; TOPMed below 0.00001.
gnomAD v4.1: 11 of 1,549,256 alleles (0.00071%); highest among the groups gnomAD compares: Middle Eastern, 0.017%; no homozygotes.

Submissions (2):

ARUP Laboratories, Molecular Genetics and Genomics, ARUP Laboratories
Classification: Pathogenic. Last evaluated: 2023-08-15. Review status: criteria provided, single submitter. Criteria: ARUP Molecular Germline Variant Investigation Process 2024. Collection method: clinical testing. Allele origin: germline.
Comment: The PIEZO1 c.3796+1G>A variant (rs869025599) is reported in the literature in one individual with generalized lymphatic dysplasia (Fotiou 2015). This variant is also reported in ClinVar (Variation ID: 223130). This variant is found in the Latino/Admixed American population with an allele frequency of 0.008% (2/24648 alleles) in the Genome Aggregation Database. This variant disrupts the canonical splice donor site of intron 26, which is likely to negatively impact gene function. Based on available information, this variant is considered to be pathogenic. REFERENCES Fotiou E et al. Novel mutations in PIEZO1 cause an autosomal recessive generalized lymphatic dysplasia with non-immune hydrops fetalis. Nat Commun. 2015 PMID: 26333996

OMIM
Classification: Pathogenic for LYMPHATIC MALFORMATION 6. Last evaluated: 2024-02-20. Review status: no assertion criteria provided. Collection method: literature only. Allele origin: germline. Not counted in ClinVar's aggregate classification.

Literature cited by the submitters: PubMed 26333996 (cited by OMIM).

NM_001142864.4(PIEZO1):c.3796+1G>A

Gene: PIEZO1 (piezo type mechanosensitive ion channel component 1 (Er blood group); minus strand). Cytogenetic location: 16q24.3.
Variant type: single nucleotide variant.
Coding change: c.3796+1G>A on transcript NM_001142864.4 (MANE Select); the canonical splice donor site of the intron after coding-DNA position 3796, G replaced by A.
Molecular consequence: splice donor variant.
Genome position (GRCh38, 1-based): chr16:88,726,546, C>T on the plus strand (G>A on the coding strand, the complement: PIEZO1 is on the minus strand). VCF-style: chr16-88726546-C-T. GRCh37 (hg19) VCF-style: chr16-88792954-C-T.
Other names: IVS26DS, G-A, +1.
Identifiers: ClinVar variation 223130 (VCV000223130.7), dbSNP rs869025599, ClinGen allele CA352204.